The following is an entry in ClinVar:

NM_001999.4(FBN2):c.2029G>A (p.Glu677Lys)

Gene: FBN2 (fibrillin 2; minus strand). Cytogenetic location: 5q23.3.
Variant type: single nucleotide variant.
Coding change: c.2029G>A on transcript NM_001999.4 (MANE Select); coding-DNA position 2029, G replaced by A.
Protein change: p.Glu677Lys; replaces glutamic acid 677 with lysine.
Molecular consequence: missense variant.
Genome position (GRCh38, 1-based): chr5:128,374,694, C>T on the plus strand (G>A on the coding strand, the complement: FBN2 is on the minus strand). VCF-style: chr5-128374694-C-T. GRCh37 (hg19) VCF-style: chr5-127710387-C-T.
Other names: short protein forms E677K.
Identifiers: ClinVar variation 234839 (VCV000234839.4), dbSNP rs753334611, ClinGen allele CA3395671.

ClinVar aggregate classification (germline): Uncertain significance. Review status: criteria provided, multiple submitters, no conflicts (2 of 4 stars). 2 submissions from 2 submitters: Uncertain significance (2). Last evaluated 2025-05-26.

Conditions:
Congenital contractural arachnodactyly (CCA). Also called: BEALS SYNDROME; Beals-Hecht syndrome; Arthrogryposis, distal, type 9. Identifiers: Orphanet 115, MedGen C0220668, MONDO:0007363, OMIM 121050.

Allele frequency attached by ClinVar (database versions not stated): gnomAD exomes below 0.00001 and 0.00001; ExAC 0.00001.
gnomAD v4.1: 4 of 1,613,996 alleles (0.00025%); highest among the groups gnomAD compares: Non-Finnish European, 0.00034%; no homozygotes.

Submissions (2):

Labcorp Genetics (formerly Invitae), Labcorp
Classification: Uncertain significance for Congenital contractural arachnodactyly. Last evaluated: 2025-05-26. Review status: criteria provided, single submitter. Criteria: Invitae Variant Classification Sherloc (09022015). Collection method: clinical testing. Allele origin: germline.
Comment: This sequence change replaces glutamic acid, which is acidic and polar, with lysine, which is basic and polar, at codon 677 of the FBN2 protein (p.Glu677Lys). This variant is present in population databases (rs753334611, gnomAD 0.0009%). This variant has not been reported in the literature in individuals affected with FBN2-related conditions. ClinVar contains an entry for this variant (Variation ID: 234839). Invitae Evidence Modeling of protein sequence and biophysical properties (such as structural, functional, and spatial information, amino acid conservation, physicochemical variation, residue mobility, and thermodynamic stability) indicates that this missense variant is not expected to disrupt FBN2 protein function with a negative predictive value of 80%. In summary, the available evidence is currently insufficient to determine the role of this variant in disease. Therefore, it has been classified as a Variant of Uncertain Significance.

GeneDx
Classification: Uncertain significance. Last evaluated: 2016-02-17. Review status: criteria provided, single submitter. Criteria: GeneDx Variant Classification (06012015). Collection method: clinical testing. Allele origin: germline. Affected: yes.
Comment: The E677K variant has not been published as a pathogenic variant, nor has it been reported as a benign variant to our knowledge. It was not observed in approximately 6,500 individuals of European and African American ancestry in the NHLBI Exome Sequencing Project, indicating it is not a common benign variant in these populations. The E677K variant is a non-conservative amino acid substitution, which is likely to impact secondary protein structure as these residues differ in polarity, charge, size and/or other properties. Moreover, this substitution occurs at a position that is conserved across species. However, although this variant resides within the calcium-binding EGF-like domain of the FBN2 gene, it does not affect a Cysteine residue. Cysteine substitutions in the calcium-binding EGF-like domains represent the majority of pathogenic missense changes associated with Marfan syndrome (Collod-Beroud et al., 2003; FrÃ©dÃ©ric et al., 2009). In silico analysis is inconsistent in its predictions as to whether or not the variant is damaging to the protein structure/function.